The following is an entry in ClinVar:

NM_004369.4(COL6A3):c.8987A>G (p.Gln2996Arg)

Gene: COL6A3 (collagen type VI alpha 3 chain; minus strand). Cytogenetic location: 2q37.3.
Variant type: single nucleotide variant.
Coding change: c.8987A>G on transcript NM_004369.4 (MANE Select); coding-DNA position 8987, A replaced by G.
Protein change: p.Gln2996Arg; replaces glutamine 2996 with arginine.
Molecular consequence: missense variant.
Genome position (GRCh38, 1-based): chr2:237,334,868, T>C on the plus strand (A>G on the coding strand, the complement: COL6A3 is on the minus strand). VCF-style: chr2-237334868-T-C. GRCh37 (hg19) VCF-style: chr2-238243511-T-C.
Other names: c.7166A>G, p.Gln2389Arg (NM_057166.5); c.8369A>G, p.Gln2790Arg (NM_057167.4); short protein forms Q2389R, Q2996R, Q2790R.
Identifiers: ClinVar variation 2708869 (VCV002708869.3), dbSNP rs2469788253, ClinGen allele CA351189549.
Genomic context (GRCh38, chr2:237,334,868, plus strand): 5'-CCGGGGGGCTCAGCCCTCTCCCAGTGGAGTTTGGCGCTGTTCTCTGTTATCTCAAACACC[T>C]GGACTTCACGGGACATCTTAACTGAAAGATAGATCAGAGCGTGAAGATAAAAAATAAAAT-3'
Protein context (NP_004360.2, residues 2986-3006): KPMVKMSREV[Gln2996Arg]VFEITENSAK

ClinVar aggregate classification (germline): Uncertain significance (1 of 4 stars; one submission).

Conditions:
Bethlem myopathy 1A. Also called: MYOPATHY, BENIGN CONGENITAL, WITH CONTRACTURES; Bethlem myopathy 1; Bethlem Muscular Dystrophy. Identifiers: Orphanet 610, MedGen CN029274, MONDO:0024530, OMIM 158810.

Submission:

Labcorp Genetics (formerly Invitae), Labcorp
Classification: Uncertain significance for Bethlem myopathy 1A. Last evaluated: 2024-01-11. Review status: criteria provided, single submitter. Criteria: Invitae Variant Classification Sherloc (09022015). Collection method: clinical testing. Allele origin: germline.
Comment: This sequence change replaces glutamine, which is neutral and polar, with arginine, which is basic and polar, at codon 2996 of the COL6A3 protein (p.Gln2996Arg). This variant is not present in population databases (gnomAD no frequency). This variant has not been reported in the literature in individuals affected with COL6A3-related conditions. Advanced modeling of protein sequence and biophysical properties (such as structural, functional, and spatial information, amino acid conservation, physicochemical variation, residue mobility, and thermodynamic stability) performed at Invitae indicates that this missense variant is not expected to disrupt COL6A3 protein function with a negative predictive value of 95%. In summary, the available evidence is currently insufficient to determine the role of this variant in disease. Therefore, it has been classified as a Variant of Uncertain Significance.